The following is an entry in ClinVar:

ClinVar aggregate classification (germline): Likely benign (0 of 4 stars; one submission).

Conditions:
SCAPER-related disorder. Also called: SCAPER-related condition.

Submission:

PreventionGenetics, part of Exact Sciences
Classification: Likely benign for SCAPER-related condition. Last evaluated: 2024-08-23. Review status: no assertion criteria provided. Collection method: clinical testing. Allele origin: germline.
Comment: This variant is classified as likely benign based on ACMG/AMP sequence variant interpretation guidelines (Richards et al. 2015 PMID: 25741868, with internal and published modifications).

NM_020843.4(SCAPER):c.3063G>A (p.Leu1021=)

Gene: SCAPER (S-phase cyclin A associated protein in the ER; minus strand). Cytogenetic location: 15q24.3.
Variant type: single nucleotide variant.
Coding change: c.3063G>A on transcript NM_020843.4 (MANE Select); coding-DNA position 3063, G replaced by A.
Protein change: p.Leu1021=; no amino-acid change (leucine 1021 retained).
Molecular consequence: synonymous variant. On other transcripts: non-coding transcript variant (1).
Genome position (GRCh38, 1-based): chr15:76,471,227, C>T on the plus strand (G>A on the coding strand, the complement: SCAPER is on the minus strand). VCF-style: chr15-76471227-C-T. GRCh37 (hg19) VCF-style: chr15-76763568-C-T.
Other names: c.2325G>A, p.Leu775= (NM_001145923.2); c.3081G>A, p.Leu1027= (NM_001353009.2); c.2661G>A, p.Leu887= (NM_001353010.2, NM_001353012.2); c.2679G>A, p.Leu893= (NM_001353011.2).
Identifiers: ClinVar variation 3346647 (VCV003346647.1).
Genomic context (GRCh38, chr15:76,471,227, plus strand): 5'-CTCAAACCTTAACTGCTTCTAACTCAAAGCAATAATATTACATACCGTCAACTGGTGTAT[C>T]AGGAGGTCCATTAAGAAGGTAATCTTGTTACTAAACAGAACATCACTGCAGTTTTCTGAA-3'
Protein context (NP_065894.2, residues 1011-1031): SNKITFLMDL[Leu1021=]IHQLTVYVPD